The following is an entry in ClinVar:

NM_033028.5(BBS4):c.1450+2T>C

Gene: BBS4 (Bardet-Biedl syndrome 4; plus strand). Cytogenetic location: 15q24.1.
Variant type: single nucleotide variant.
Coding change: c.1450+2T>C on transcript NM_033028.5 (MANE Select); the canonical splice donor site of the intron after coding-DNA position 1450, T replaced by C.
Molecular consequence: splice donor variant.
Genome position (GRCh38, 1-based): chr15:72,736,965, T>C. VCF-style: chr15-72736965-T-C. GRCh37 (hg19) VCF-style: chr15-73029306-T-C.
Other names: c.1381+2T>C (NM_001320665.2); c.934+2T>C (NM_001252678.2).
Identifiers: ClinVar variation 2680031 (VCV002680031.3), dbSNP rs2065938100, ClinGen allele CA393081124.

ClinVar aggregate classification (germline): Conflicting classifications of pathogenicity. Review status: criteria provided, conflicting classifications (1 of 4 stars). 2 submissions from 2 submitters: Likely pathogenic (1); Uncertain significance (1). Last evaluated 2025-04-27.

Conditions:
Bardet-Biedl syndrome 4 (BBS4). Identifiers: Orphanet 110, MedGen C2936864, MONDO:0014433, OMIM 615982.

Allele frequency attached by ClinVar (database versions not stated): gnomAD exomes below 0.00001; gnomAD 0.00001.
gnomAD v4.1: 3 of 1,613,864 alleles (0.00019%); highest among the groups gnomAD compares: Admixed American, 0.0017%; no homozygotes.

Submissions (2):

Baylor Genetics
Classification: Uncertain significance for Bardet-Biedl syndrome 4. Last evaluated: 2025-04-27. Review status: criteria provided, single submitter. Criteria: ACMG Guidelines, 2015. Collection method: clinical testing. Allele origin: unknown.
Comment: Predicted to escape NMD. No evidence that variants in this region that escape NMD would be disease-causing.

Fulgent Genetics
Classification: Likely pathogenic for Bardet-Biedl syndrome 4. Last evaluated: 2024-02-22. Review status: criteria provided, single submitter. Criteria: ACMG Guidelines, 2015. Collection method: clinical testing. Allele origin: germline.